The following is an entry in ClinVar:

NM_015122.3(FCHO1):c.791-9_791-3del

Gene: FCHO1 (FCH and mu domain containing endocytic adaptor 1; plus strand). Cytogenetic location: 19p13.11.
Variant type: Deletion.
Coding change: c.791-9_791-3del on transcript NM_015122.3 (MANE Select); 9 bases into the intron before coding-DNA position 791 through 3 bases into the intron before coding-DNA position 791, 7 bases deleted (CTGTCTC; older notation c.791-9_791-3delCTGTCTC).
Molecular consequence: intron variant.
Genome position (GRCh38, 1-based): chr19:17,774,230-17,774,236, CTGTCTC deleted; deleting any 7 consecutive bases within chr19:17,774,225-17,774,236 gives the same sequence; the c. name uses the placement nearest the transcript's 3' end. VCF-style (leftmost placement, unchanged base first): chr19-17774224-CGTCTCCT-C. GRCh37 (hg19) VCF-style: chr19-17885033-CGTCTCCT-C.
Other names: c.791-9_791-3del (NM_001384370.1, NM_001384396.1, NM_001384404.1 and 25 more transcripts); c.716-9_716-3del (NM_001384390.1); c.641-9_641-3del (NM_001384406.1, NM_001384407.1, NM_001384384.1 and 3 more transcripts); c.791-164_791-158del (NM_001384403.1); c.752-9_752-3del (NM_001384388.1, NM_001384405.1, NM_001384389.1).
Identifiers: ClinVar variation 1953946 (VCV001953946.3), dbSNP rs1193517150, ClinGen allele CA632062606.
Genomic context (GRCh38, chr19:17,774,224, plus strand): 5'-CTCCCAAAGTGCTGGGATTACAGGCATGGGCCACCGTGCCCAGCCCCTCAATTGAGTTTC[CGTCTCCT>C]GTCTCAGGACCTCTGGACTTCGAGGCATACAGTGCGGCTGCCCTGCAGGAAGGCAAGTAC-3'

ClinVar aggregate classification (germline): Uncertain significance (1 of 4 stars; one submission).

Submission:

Labcorp Genetics (formerly Invitae), Labcorp
Classification: Uncertain significance. Last evaluated: 2023-08-11. Review status: criteria provided, single submitter. Criteria: Invitae Variant Classification Sherloc (09022015). Collection method: clinical testing. Allele origin: germline.
Comment: This variant is present in population databases (no rsID available, gnomAD 0.0009%). This sequence change falls in intron 11 of the FCHO1 gene. It does not directly change the encoded amino acid sequence of the FCHO1 protein. This variant has not been reported in the literature in individuals affected with FCHO1-related conditions. ClinVar contains an entry for this variant (Variation ID: 1953946). Algorithms developed to predict the effect of sequence changes on RNA splicing suggest that this variant may disrupt the consensus splice site. In summary, the available evidence is currently insufficient to determine the role of this variant in disease. Therefore, it has been classified as a Variant of Uncertain Significance.